The following is an entry in ClinVar:

NM_139057.4(ADAMTS17):c.1295G>A (p.Ser432Asn)

Gene: ADAMTS17 (ADAM metallopeptidase with thrombospondin type 1 motif 17; minus strand). Cytogenetic location: 15q26.3.
Variant type: single nucleotide variant.
Coding change: c.1295G>A on transcript NM_139057.4 (MANE Select); coding-DNA position 1295, G replaced by A.
Protein change: p.Ser432Asn; replaces serine 432 with asparagine.
Molecular consequence: missense variant.
Genome position (GRCh38, 1-based): chr15:100,155,207, C>T on the plus strand (G>A on the coding strand, the complement: ADAMTS17 is on the minus strand). VCF-style: chr15-100155207-C-T. GRCh37 (hg19) VCF-style: chr15-100695412-C-T.
Other names: short protein forms S432N.
Identifiers: ClinVar variation 1499258 (VCV001499258.6), dbSNP rs780868958, ClinGen allele CA7758316.

ClinVar aggregate classification (germline): Uncertain significance (1 of 4 stars; one submission).

Allele frequency attached by ClinVar (database versions not stated): gnomAD exomes below 0.00001; ExAC 0.00001; TOPMed 0.00001.
gnomAD v4.1: 1 of 1,614,208 alleles (0.000062%); highest among the groups gnomAD compares: Non-Finnish European, 0.000085%; no homozygotes.

Submission:

Labcorp Genetics (formerly Invitae), Labcorp
Classification: Uncertain significance. Last evaluated: 2024-02-24. Review status: criteria provided, single submitter. Criteria: Invitae Variant Classification Sherloc (09022015). Collection method: clinical testing. Allele origin: germline.
Comment: This sequence change replaces serine, which is neutral and polar, with asparagine, which is neutral and polar, at codon 432 of the ADAMTS17 protein (p.Ser432Asn). This variant is present in population databases (rs780868958, gnomAD 0.0009%). This variant has not been reported in the literature in individuals affected with ADAMTS17-related conditions. ClinVar contains an entry for this variant (Variation ID: 1499258). An algorithm developed to predict the effect of missense changes on protein structure and function (PolyPhen-2) suggests that this variant is likely to be disruptive. In summary, the available evidence is currently insufficient to determine the role of this variant in disease. Therefore, it has been classified as a Variant of Uncertain Significance.